The following is an entry in ClinVar:

ClinVar aggregate classification (germline): Uncertain significance (1 of 4 stars; one submission).

Conditions:
Congenital multicore myopathy with external ophthalmoplegia (CMYO1B). Also called: MULTIMINICORE DISEASE WITH EXTERNAL OPHTHALMOPLEGIA; Minicore myopathy with external ophthalmoplegia; Congenital myopathy 1B, autosomal recessive; Minicore myopathy; MULTICORE MYOPATHY. Identifiers: Orphanet 598, Orphanet 98905, MedGen C1850674, MONDO:0009712, OMIM 255320, HP:0003789.
Central core myopathy (CMYO1A). Also called: CONGENITAL MYOPATHY 1A, AUTOSOMAL DOMINANT, WITH SUSCEPTIBILITY TO MALIGNANT HYPERTHERMIA; Central core disease; Myopathy, central fibrillar. Identifiers: Orphanet 597, MedGen C5830701, MONDO:0007294, OMIM 117000.
King Denborough syndrome (KDS). Identifiers: MedGen C1840365, MONDO:0020485, OMIM 619542.
Malignant hyperthermia, susceptibility to, 1 (MHS1). Also called: Malignant hyperthermia suceptibility 1; Anesthesia related hyperthermia; Malignant hyperpyrexia; Fulminating hyperpyrexia; Pharmacogenic myopathy; RYR1-Related Malignant Hyperthermia Susceptibility. Identifiers: Orphanet 423, MedGen C2930980, MONDO:0007783, OMIM 145600.

Submission:

Juno Genomics, Hangzhou Juno Genomics, Inc
Classification: Uncertain significance for Central core myopathy; Congenital multicore myopathy with external ophthalmoplegia; Malignant hyperthermia, susceptibility to, 1; King Denborough syndrome. Review status: criteria provided, single submitter. Criteria: ACMG Guidelines, 2015. Collection method: clinical testing. Allele origin: germline.
Comment: Absent from controls (or at extremely low frequency if recessive) in Genome Aggregation Database.

NM_000540.3(RYR1):c.10260-17C>G

Gene: RYR1 (ryanodine receptor 1; plus strand). Cytogenetic location: 19q13.2.
Variant type: single nucleotide variant.
Coding change: c.10260-17C>G on transcript NM_000540.3 (MANE Select); 17 bases into the intron before coding-DNA position 10260, C replaced by G.
Molecular consequence: intron variant.
Genome position (GRCh38, 1-based): chr19:38,523,011, C>G. VCF-style: chr19-38523011-C-G. GRCh37 (hg19) VCF-style: chr19-39013651-C-G.
Other names: c.10260-17C>G (NM_001042723.2).
Identifiers: ClinVar variation 5005982 (VCV005005982.2).